The following is an entry in ClinVar:

NM_000057.4(BLM):c.1264A>C (p.Ser422Arg)

Gene: BLM (BLM RecQ like helicase; plus strand). Cytogenetic location: 15q26.1.
Variant type: single nucleotide variant.
Coding change: c.1264A>C on transcript NM_000057.4 (MANE Select); coding-DNA position 1264, A replaced by C.
Protein change: p.Ser422Arg; replaces serine 422 with arginine.
Molecular consequence: missense variant.
Genome position (GRCh38, 1-based): chr15:90,760,637, A>C. VCF-style: chr15-90760637-A-C. GRCh37 (hg19) VCF-style: chr15-91303867-A-C.
Other names: c.1264A>C, p.Ser422Arg (NM_001287246.2, NM_001287247.2); c.139A>C, p.Ser47Arg (NM_001287248.2); short protein forms S422R, S47R.
Identifiers: ClinVar variation 4741447 (VCV004741447.1).
Genomic context (GRCh38, chr15:90,760,637, plus strand): 5'-CTCTTTTCTCTCTTCAGAAGGAAACTTCTAACGGAAGTAGATTTTAATAAAAGTGATGCC[A>C]GTCTTCTTGGCTCATTGTGGAGATACAGGCCTGATTCACTTGATGGCCCTATGGAGGGTG-3'
Protein context (NP_000048.1, residues 412-432): TEVDFNKSDA[Ser422Arg]LLGSLWRYRP

ClinVar aggregate classification (germline): Uncertain significance (1 of 4 stars; one submission).

Conditions:
Bloom syndrome (BLM). Also called: Bloom-Torre-Machacek syndrome. Identifiers: Orphanet 125, MedGen C0005859, MONDO:0008876, OMIM 210900.

Submission:

Labcorp Genetics (formerly Invitae), Labcorp
Classification: Uncertain significance for Bloom syndrome. Last evaluated: 2025-03-03. Review status: criteria provided, single submitter. Criteria: Invitae Variant Classification Sherloc (09022015). Collection method: clinical testing. Allele origin: germline.
Comment: This sequence change replaces serine, which is neutral and polar, with arginine, which is basic and polar, at codon 422 of the BLM protein (p.Ser422Arg). This variant is not present in population databases (gnomAD no frequency). This variant has not been reported in the literature in individuals affected with BLM-related conditions. Invitae Evidence Modeling of protein sequence and biophysical properties (such as structural, functional, and spatial information, amino acid conservation, physicochemical variation, residue mobility, and thermodynamic stability) indicates that this missense variant is not expected to disrupt BLM protein function with a negative predictive value of 80%. In summary, the available evidence is currently insufficient to determine the role of this variant in disease. Therefore, it has been classified as a Variant of Uncertain Significance.